The following is an entry in ClinVar:

NM_004618.5(TOP3A):c.2472C>T (p.Val824=)

Gene: TOP3A (DNA topoisomerase III alpha; minus strand). Cytogenetic location: 17p11.2.
Variant type: single nucleotide variant.
Coding change: c.2472C>T on transcript NM_004618.5 (MANE Select); coding-DNA position 2472, C replaced by T.
Protein change: p.Val824=; no amino-acid change (valine 824 retained).
Molecular consequence: synonymous variant.
Genome position (GRCh38, 1-based): chr17:18,278,030, G>A on the plus strand (C>T on the coding strand, the complement: TOP3A is on the minus strand). VCF-style: chr17-18278030-G-A. GRCh37 (hg19) VCF-style: chr17-18181344-G-A.
Other names: c.2187C>T, p.Val729= (NM_001320759.2); c.2472C>T (NM_004618.4).
Identifiers: ClinVar variation 2915959 (VCV002915959.5), dbSNP rs551660741, ClinGen allele CA8429596.

ClinVar aggregate classification (germline): Likely benign. Review status: criteria provided, single submitter (1 of 4 stars). 2 submissions from 2 submitters: Likely benign (1). 1 of the submissions does not count toward it. Last evaluated 2025-01-15.

Conditions:
TOP3A-related disorder. Also called: TOP3A-related condition; TOP3A-related disorders.

Allele frequency attached by ClinVar (database versions not stated): ExAC 0.00002; gnomAD exomes 0.00002; TOPMed 0.00002; gnomAD 0.00003; 1000 Genomes Project 0.00020; 1000 Genomes Project 30x 0.00031.
gnomAD v4.1: 34 of 1,614,190 alleles (0.0021%); highest among the groups gnomAD compares: Admixed American, 0.0067%; no homozygotes.

Submissions (2):

Labcorp Genetics (formerly Invitae), Labcorp
Classification: Likely benign. Last evaluated: 2025-01-15. Review status: criteria provided, single submitter. Criteria: Invitae Variant Classification Sherloc (09022015). Collection method: clinical testing. Allele origin: germline.

PreventionGenetics, part of Exact Sciences
Classification: Likely benign for TOP3A-related condition. Last evaluated: 2019-09-25. Review status: no assertion criteria provided. Collection method: clinical testing. Allele origin: germline. Not counted in ClinVar's aggregate classification.
Comment: This variant is classified as likely benign based on ACMG/AMP sequence variant interpretation guidelines (Richards et al. 2015 PMID: 25741868, with internal and published modifications).